The following is an entry in ClinVar:

ClinVar aggregate classification (germline): Conflicting classifications of pathogenicity. Review status: criteria provided, conflicting classifications (1 of 4 stars). 7 submissions from 7 submitters: Uncertain significance (1); Benign (1); Likely benign (4). 1 of the submissions does not count toward it. Last evaluated 2025-12-23.

Conditions:
Inborn genetic diseases. Identifiers: MedGen C0950123, MeSH D030342.
CENPF-related disorder. Also called: CENPF-related condition.

Allele frequency attached by ClinVar (database versions not stated): gnomAD exomes 0.00081; ExAC 0.00096; gnomAD 0.00289 and 0.00305; TOPMed 0.00314; ESP Exome Variant Server 0.00338; 1000 Genomes Project 0.00479; 1000 Genomes Project 30x 0.00500.
gnomAD v4.1: 1,134 of 1,613,972 alleles (0.07%); highest among the groups gnomAD compares: African/African-American, 0.95%; 5 homozygotes.

Submissions (7):

Labcorp Genetics (formerly Invitae), Labcorp
Classification: Benign. Last evaluated: 2025-12-23. Review status: criteria provided, single submitter. Criteria: Invitae Variant Classification Sherloc (09022015). Collection method: clinical testing. Allele origin: germline.

CeGaT Center for Human Genetics Tuebingen
Classification: Likely benign. Last evaluated: 2025-11-01. Review status: criteria provided, single submitter. Criteria: CeGaT Center For Human Genetics Tuebingen Variant Classification Criteria Version 2. Collection method: clinical testing. Allele origin: germline. Affected: yes. Observed: 4 variant alleles.
Comment: CENPF: BP4, BS2

Ambry Genetics
Classification: Uncertain significance for Inborn genetic diseases. Last evaluated: 2025-08-05. Review status: criteria provided, single submitter. Criteria: Ambry Variant Classification Scheme 2023. Collection method: clinical testing. Allele origin: germline.

Blueprint Genetics
Classification: Likely benign. Last evaluated: 2024-11-14. Review status: criteria provided, single submitter. Criteria: ACMG Guidelines, 2015. Collection method: clinical testing. Allele origin: germline.

GeneDx
Classification: Likely benign. Last evaluated: 2024-02-12. Review status: criteria provided, single submitter. Criteria: GeneDx Variant Classification Process June 2021. Collection method: clinical testing. Allele origin: germline. Affected: yes.

Genetic Services Laboratory, University of Chicago
Classification: Likely benign. Last evaluated: 2018-07-16. Review status: criteria provided, single submitter. Criteria: ACMG Guidelines, 2015. Collection method: clinical testing. Allele origin: germline. Affected: no.

PreventionGenetics, part of Exact Sciences
Classification: Benign for CENPF-related condition. Last evaluated: 2020-03-10. Review status: no assertion criteria provided. Collection method: clinical testing. Allele origin: germline. Not counted in ClinVar's aggregate classification.
Comment: This variant is classified as benign based on ACMG/AMP sequence variant interpretation guidelines (Richards et al. 2015 PMID: 25741868, with internal and published modifications).

NM_016343.4(CENPF):c.6433C>T (p.Arg2145Cys)

Gene: CENPF (centromere protein F; plus strand). Cytogenetic location: 1q41.
Variant type: single nucleotide variant.
Coding change: c.6433C>T on transcript NM_016343.4 (MANE Select); coding-DNA position 6433, C replaced by T.
Protein change: p.Arg2145Cys; replaces arginine 2145 with cysteine.
Molecular consequence: missense variant.
Genome position (GRCh38, 1-based): chr1:214,646,003, C>T. VCF-style: chr1-214646003-C-T. GRCh37 (hg19) VCF-style: chr1-214819346-C-T.
Other names: short protein forms R2145C.
Identifiers: ClinVar variation 775668 (VCV000775668.39), dbSNP rs114218080, ClinGen allele CA1390958.